The following is an entry in ClinVar:

NM_001040436.3(YARS2):c.104C>A (p.Ala35Asp)

Gene: YARS2 (tyrosyl-tRNA synthetase 2; minus strand). Cytogenetic location: 12p11.21.
Variant type: single nucleotide variant.
Coding change: c.104C>A on transcript NM_001040436.3 (MANE Select); coding-DNA position 104, C replaced by A.
Protein change: p.Ala35Asp; replaces alanine 35 with aspartic acid.
Molecular consequence: missense variant.
Genome position (GRCh38, 1-based): chr12:32,755,771, G>T on the plus strand (C>A on the coding strand, the complement: YARS2 is on the minus strand). VCF-style: chr12-32755771-G-T. GRCh37 (hg19) VCF-style: chr12-32908705-G-T.
Other names: p.Ala35Asp; short protein forms A35D.
Identifiers: ClinVar variation 215417 (VCV000215417.18), dbSNP rs149447502, ClinGen allele CA323511.

ClinVar aggregate classification (germline): Benign/Likely benign. Review status: criteria provided, multiple submitters, no conflicts (2 of 4 stars). 6 submissions from 6 submitters: Benign (4); Likely benign (1). 1 of the submissions does not count toward it. Last evaluated 2026-02-01.

Conditions:
YARS2-related disorder. Also called: YARS2-related condition.
Myopathy, lactic acidosis, and sideroblastic anemia 2 (MLASA2). Identifiers: Orphanet 2598, MedGen C3150802, MONDO:0013307, OMIM 613561.

Allele frequency attached by ClinVar (database versions not stated): ESP Exome Variant Server 0.00146; gnomAD 0.00151 and 0.00211; TOPMed 0.00169; gnomAD exomes 0.00296; ExAC 0.00404; 1000 Genomes Project 30x 0.00687; 1000 Genomes Project 0.00719.
gnomAD v4.1: 4,715 of 1,613,946 alleles (0.29%); highest among the groups gnomAD compares: South Asian, 1.7%; 42 homozygotes.

Submissions (6):

Labcorp Genetics (formerly Invitae), Labcorp
Classification: Benign. Last evaluated: 2026-02-01. Review status: criteria provided, single submitter. Criteria: Invitae Variant Classification Sherloc (09022015). Collection method: clinical testing. Allele origin: germline.

Mayo Clinic Laboratories, Mayo Clinic
Classification: Benign. Last evaluated: 2025-09-22. Review status: criteria provided, single submitter. Criteria: ACMG Guidelines, 2015. Collection method: clinical testing. Allele origin: germline. Observed: 11 variant alleles.
Comment: BS1, BS2, BP4

Illumina Laboratory Services, Illumina
Classification: Benign for Myopathy, lactic acidosis, and sideroblastic anemia 2. Last evaluated: 2018-01-13. Review status: criteria provided, single submitter. Criteria: ICSL Variant Classification Criteria 13 December 2019. Collection method: clinical testing. Allele origin: germline.
Comment: This variant was observed in the ICSL laboratory as part of a predisposition screen in an ostensibly healthy population. It had not been previously curated by ICSL or reported in the Human Gene Mutation Database (HGMD: prior to June 1st, 2018), and was therefore a candidate for classification through an automated scoring system. Utilizing variant allele frequency, disease prevalence and penetrance estimates, and inheritance mode, an automated score was calculated to assess if this variant is too frequent to cause the disease. Based on the score and internal cut-off values, a variant classified as benign is not then subjected to further curation. The score for this variant resulted in a classification of benign for this disease.

Center for Pediatric Genomic Medicine, Children's Mercy Hospital and Clinics
Classification: Likely benign. Last evaluated: 2017-09-18. Review status: criteria provided, single submitter. Criteria: ACMG Guidelines, 2015. Collection method: clinical testing. Allele origin: germline.

GeneDx
Classification: Benign. Last evaluated: 2015-06-12. Review status: criteria provided, single submitter. Criteria: GeneDx Variant Classification (06012015). Collection method: clinical testing. Allele origin: germline. Affected: yes.
Comment: This variant is considered likely benign or benign based on one or more of the following criteria: it is a conservative change, it occurs at a poorly conserved position in the protein, it is predicted to be benign by multiple in silico algorithms, and/or has population frequency not consistent with disease.

PreventionGenetics, part of Exact Sciences
Classification: Benign for YARS2-related condition. Last evaluated: 2019-06-13. Review status: no assertion criteria provided. Collection method: clinical testing. Allele origin: germline. Not counted in ClinVar's aggregate classification.
Comment: This variant is classified as benign based on ACMG/AMP sequence variant interpretation guidelines (Richards et al. 2015 PMID: 25741868, with internal and published modifications).